The following is an entry in ClinVar:

ClinVar aggregate classification (germline): Uncertain significance (1 of 4 stars; one submission).

Submission:

GeneDx
Classification: Uncertain significance. Last evaluated: 2024-12-18. Review status: criteria provided, single submitter. Criteria: GeneDx Variant Classification Process June 2021. Collection method: clinical testing. Allele origin: germline. Affected: yes.
Comment: Not observed at significant frequency in large population cohorts (gnomAD); In silico analysis indicates that this missense variant does not alter protein structure/function; Has not been previously published as pathogenic or benign to our knowledge

NM_001244008.2(KIF1A):c.3097T>A (p.Ser1033Thr)

Gene: KIF1A (kinesin family member 1A; minus strand). Cytogenetic location: 2q37.3.
Variant type: single nucleotide variant.
Coding change: c.3097T>A on transcript NM_001244008.2 (MANE Select); coding-DNA position 3097, T replaced by A.
Protein change: p.Ser1033Thr; replaces serine 1033 with threonine.
Molecular consequence: missense variant.
Genome position (GRCh38, 1-based): chr2:240,746,144, A>T on the plus strand (T>A on the coding strand, the complement: KIF1A is on the minus strand). VCF-style: chr2-240746144-A-T. GRCh37 (hg19) VCF-style: chr2-241685561-A-T.
Other names: c.2821T>A, p.Ser941Thr (NM_001320705.2, NM_001330289.2, NM_001379638.1); c.2896T>A, p.Ser966Thr (NM_001330290.2, NM_001379634.1, NM_001379635.1 and 1 more transcripts); c.3172T>A, p.Ser1058Thr (NM_001379631.1); c.3046T>A, p.Ser1016Thr (NM_001379632.1); c.3070T>A, p.Ser1024Thr (NM_001379633.1, NM_001379642.1, NM_001379645.1); c.2794T>A, p.Ser932Thr (NM_001379636.1, NM_001379639.1, NM_001379640.1 and 6 more transcripts); c.2869T>A, p.Ser957Thr (NM_001379637.1, NM_001379648.1); short protein forms S1016T, S1024T, S1033T, S1058T, S932T, S941T, S957T, S966T.
Identifiers: ClinVar variation 3906285 (VCV003906285.1).
Genomic context (GRCh38, chr2:240,746,144, plus strand): 5'-CTGCACCCTGGCCCTGGCCCTCCACGATGCGAAGCTCTTCCTGGGAGGTTCCCGAGCGGG[A>T]CATCCCCACCACGGGGCAAGACTCGGACTGGAACTGATCAGAGGGGGACCAGAGTCAGAG-3'
Protein context (NP_001230937.1, residues 1023-1043): QSESCPVVGM[Ser1033Thr]RSGTSQEELR